The following is an entry in ClinVar:

NM_080680.3(COL11A2):c.2683-3C>T

Gene: COL11A2 (collagen type XI alpha 2 chain; minus strand). Cytogenetic location: 6p21.32.
Variant type: single nucleotide variant.
Coding change: c.2683-3C>T on transcript NM_080680.3 (MANE Select); 3 bases into the intron before coding-DNA position 2683, C replaced by T.
Molecular consequence: intron variant.
Genome position (GRCh38, 1-based): chr6:33,173,404, G>A on the plus strand (C>T on the coding strand, the complement: COL11A2 is on the minus strand). VCF-style: chr6-33173404-G-A. GRCh37 (hg19) VCF-style: chr6-33141181-G-A.
Other names: c.1657-3C>T (NM_001424111.1, NM_001424110.1); c.2362-3C>T (NM_080679.3); c.2425-3C>T (NM_080681.3); c.2503-3C>T (NM_001424108.1); c.1837-3C>T (NM_001424109.1); c.637-3C>T (NM_001424112.1).
Identifiers: ClinVar variation 3716450 (VCV003716450.2).

ClinVar aggregate classification (germline): Uncertain significance (1 of 4 stars; one submission).

gnomAD v4.1: 4 of 1,613,132 alleles (0.00025%); highest among the groups gnomAD compares: Non-Finnish European, 0.00034%; no homozygotes.

Submission:

Labcorp Genetics (formerly Invitae), Labcorp
Classification: Uncertain significance. Last evaluated: 2026-01-17. Review status: criteria provided, single submitter. Criteria: Invitae Variant Classification Sherloc (09022015). Collection method: clinical testing. Allele origin: germline.
Comment: This sequence change falls in intron 36 of the COL11A2 gene. It does not directly change the encoded amino acid sequence of the COL11A2 protein. It affects a nucleotide within the consensus splice site. This variant is present in population databases (no rsID available, gnomAD 0.0009%). This variant has not been reported in the literature in individuals affected with COL11A2-related conditions. ClinVar contains an entry for this variant (Variation ID: 3716450). Variants that disrupt the consensus splice site are a relatively common cause of aberrant splicing (PMID: 17576681, 9536098). Algorithms developed to predict the effect of sequence changes on RNA splicing suggest that this variant is not likely to affect RNA splicing. In summary, the available evidence is currently insufficient to determine the role of this variant in disease. Therefore, it has been classified as a Variant of Uncertain Significance.

Literature cited by the submitters: PubMed 17576681; PubMed 9536098.